The following is an entry in ClinVar:

ClinVar aggregate classification (germline): Conflicting classifications of pathogenicity. Review status: criteria provided, conflicting classifications (1 of 4 stars). 2 submissions from 2 submitters: Likely pathogenic (1); Uncertain significance (1). Last evaluated 2024-04-05.

Conditions:
SLC5A1-related disorder. Also called: SLC5A1-related condition.
Congenital glucose-galactose malabsorption (GGM). Also called: MONOSACCHARIDE MALABSORPTION; DIARRHEA 16. Identifiers: Orphanet 35710, MedGen C0268186, MONDO:0011731, OMIM 606824.

Allele frequency attached by ClinVar (database versions not stated): gnomAD exomes below 0.00001 and 0.00001; gnomAD 0.00001; ExAC 0.00002.

Submissions (2):

Labcorp Genetics (formerly Invitae), Labcorp
Classification: Uncertain significance for Congenital glucose-galactose malabsorption. Last evaluated: 2024-04-05. Review status: criteria provided, single submitter. Criteria: Invitae Variant Classification Sherloc (09022015). Collection method: clinical testing. Allele origin: germline.
Comment: This sequence change falls in intron 2 of the SLC5A1 gene. It does not directly change the encoded amino acid sequence of the SLC5A1 protein. It affects a nucleotide within the consensus splice site. This variant is present in population databases (rs766189236, gnomAD 0.003%). This variant has been observed in individual(s) with glucose/galactose malabsorption (PMID: 28152538). This variant is also known as SGLT1. ClinVar contains an entry for this variant (Variation ID: 1410101). Variants that disrupt the consensus splice site are a relatively common cause of aberrant splicing (PMID: 17576681, 9536098). Algorithms developed to predict the effect of sequence changes on RNA splicing suggest that this variant may disrupt the consensus splice site. In summary, the available evidence is currently insufficient to determine the role of this variant in disease. Therefore, it has been classified as a Variant of Uncertain Significance.

Blueprint Genetics
Classification: Likely pathogenic for SLC5A1-related disorders. Last evaluated: 2023-07-05. Review status: criteria provided, single submitter. Criteria: ACMG Guidelines, 2015. Collection method: clinical testing. Allele origin: germline. Affected: yes. Observed: 4 variant alleles.

Literature cited by the submitters: PubMed 28152538 (cited by Labcorp Genetics (formerly Invitae), Labcorp); PubMed 17576681 (cited by Labcorp Genetics (formerly Invitae), Labcorp); PubMed 9536098 (cited by Labcorp Genetics (formerly Invitae), Labcorp).

NM_000343.4(SLC5A1):c.207+2dup

Gene: SLC5A1 (solute carrier family 5 member 1; plus strand). Cytogenetic location: 22q12.3.
Variant type: Duplication.
Coding change: c.207+2dup on transcript NM_000343.4 (MANE Select); the canonical splice donor site of the intron after coding-DNA position 207, one base duplicated (T; older notation c.207+2dupT).
Molecular consequence: splice donor variant.
Genome position (GRCh38, 1-based): chr22:32,050,016, T duplicated. VCF-style (leftmost placement, unchanged base first): chr22-32050015-G-GT. GRCh37 (hg19) VCF-style: chr22-32446002-G-GT.
Identifiers: ClinVar variation 1410101 (VCV001410101.8), dbSNP rs766189236, ClinGen allele CA10197879.
Genomic context (GRCh38, chr22:32,050,015, plus strand): 5'-ACCAATCGTGGGACTGTTGGAGGCTTCTTCCTGGCAGGCCGAAGTATGGTGTGGTGGCCG[G>GT]TAAGTTTTCTCTGAAATGCTATTTACATAACTGCTTAACTGATACTCCCTTTAGGAACTC-3'